The following is an entry in ClinVar:

NM_001379081.2(FREM1):c.4626C>T (p.Leu1542=)

Gene: FREM1 (FRAS1 related extracellular matrix 1; minus strand). Cytogenetic location: 9p22.3.
Variant type: single nucleotide variant.
Coding change: c.4626C>T on transcript NM_001379081.2 (MANE Select); coding-DNA position 4626, C replaced by T.
Protein change: p.Leu1542=; no amino-acid change (leucine 1542 retained).
Molecular consequence: synonymous variant. On other transcripts: non-coding transcript variant (2).
Genome position (GRCh38, 1-based): chr9:14,776,020, G>A on the plus strand (C>T on the coding strand, the complement: FREM1 is on the minus strand). VCF-style: chr9-14776020-G-A. GRCh37 (hg19) VCF-style: chr9-14776018-G-A.
Other names: c.234C>T, p.Leu78= (NM_001177704.3, NM_001370058.2, NM_001370061.2); c.4626C>T, p.Leu1542= (NM_144966.7).
Identifiers: ClinVar variation 914186 (VCV000914186.8), dbSNP rs367674769, ClinGen allele CA4990113.

ClinVar aggregate classification (germline): Conflicting classifications of pathogenicity. Review status: criteria provided, conflicting classifications (1 of 4 stars). 3 submissions from 3 submitters: Uncertain significance (1); Benign (1). 1 of the submissions does not count toward it. Last evaluated 2024-06-29.

Conditions:
FREM1-related disorder. Also called: FREM1-Related Disorders; FREM1-related condition.
Oculotrichoanal syndrome (MOTA). Also called: MARLES SYNDROME; Manitoba Oculotrichoanal (MOTA) Syndrome. Identifiers: Orphanet 2717, MedGen C1855425, MONDO:0009560, OMIM 248450.

Allele frequency attached by ClinVar (database versions not stated): gnomAD exomes 0.00006 and 0.00014; ESP Exome Variant Server 0.00008; gnomAD 0.00009; ExAC 0.00011; TOPMed 0.00011.
gnomAD v4.1: 105 of 1,613,898 alleles (0.0065%); highest among the groups gnomAD compares: Non-Finnish European, 0.0012%; no homozygotes.

Submissions (3):

Labcorp Genetics (formerly Invitae), Labcorp
Classification: Benign. Last evaluated: 2024-06-29. Review status: criteria provided, single submitter. Criteria: Invitae Variant Classification Sherloc (09022015). Collection method: clinical testing. Allele origin: germline.

Illumina Laboratory Services, Illumina
Classification: Uncertain significance for Oculotrichoanal syndrome. Last evaluated: 2018-01-12. Review status: criteria provided, single submitter. Criteria: ICSL Variant Classification Criteria 13 December 2019. Collection method: clinical testing. Allele origin: germline.

PreventionGenetics, part of Exact Sciences
Classification: Likely benign for FREM1-related condition. Last evaluated: 2021-11-04. Review status: no assertion criteria provided. Collection method: clinical testing. Allele origin: germline. Not counted in ClinVar's aggregate classification.
Comment: This variant is classified as likely benign based on ACMG/AMP sequence variant interpretation guidelines (Richards et al. 2015 PMID: 25741868, with internal and published modifications).